The following is an entry in ClinVar:

NM_173630.4(RTTN):c.5990C>G (p.Pro1997Arg)

Gene: RTTN (rotatin; minus strand). Cytogenetic location: 18q22.2.
Variant type: single nucleotide variant.
Coding change: c.5990C>G on transcript NM_173630.4 (MANE Select); coding-DNA position 5990, C replaced by G.
Protein change: p.Pro1997Arg; replaces proline 1997 with arginine.
Molecular consequence: missense variant.
Genome position (GRCh38, 1-based): chr18:70,020,778, G>C on the plus strand (C>G on the coding strand, the complement: RTTN is on the minus strand). VCF-style: chr18-70020778-G-C. GRCh37 (hg19) VCF-style: chr18-67688014-G-C.
Other names: c.3254C>G, p.Pro1085Arg (NM_001318520.2); short protein forms P1085R, P1997R.
Identifiers: ClinVar variation 3357043 (VCV003357043.3).

ClinVar aggregate classification (germline): Uncertain significance. Review status: criteria provided, multiple submitters, no conflicts (2 of 4 stars). 3 submissions from 3 submitters: Uncertain significance (2). 1 of the submissions does not count toward it. Last evaluated 2025-08-12.

Conditions:
RTTN-related disorder. Also called: RTTN-related condition.
Inborn genetic diseases. Identifiers: MedGen C0950123, MeSH D030342.

gnomAD v4.1: 59 of 1,613,878 alleles (0.0037%); highest among the groups gnomAD compares: South Asian, 0.035%; no homozygotes.

Submissions (3):

Ambry Genetics
Classification: Uncertain significance for Inborn genetic diseases. Last evaluated: 2025-08-12. Review status: criteria provided, single submitter. Criteria: Ambry Variant Classification Scheme 2023. Collection method: clinical testing. Allele origin: germline.

GeneDx
Classification: Uncertain significance. Last evaluated: 2024-10-30. Review status: criteria provided, single submitter. Criteria: GeneDx Variant Classification Process June 2021. Collection method: clinical testing. Allele origin: germline. Affected: yes.
Comment: In silico analysis indicates that this missense variant does not alter protein structure/function; Has not been previously published as pathogenic or benign to our knowledge

PreventionGenetics, part of Exact Sciences
Classification: Uncertain significance for RTTN-related condition. Last evaluated: 2024-07-01. Review status: no assertion criteria provided. Collection method: clinical testing. Allele origin: germline. Not counted in ClinVar's aggregate classification.
Comment: The RTTN c.5990C>G variant is predicted to result in the amino acid substitution p.Pro1997Arg. To our knowledge, this variant has not been reported in the literature. This variant is reported in 0.045% of alleles in individuals of East Asian descent in gnomAD. At this time, the clinical significance of this variant is uncertain due to the absence of conclusive functional and genetic evidence.